The following is an entry in ClinVar:

ClinVar aggregate classification (germline): Uncertain significance (1 of 4 stars; one submission).

Submission:

Labcorp Genetics (formerly Invitae), Labcorp
Classification: Uncertain significance. Last evaluated: 2024-10-22. Review status: criteria provided, single submitter. Criteria: Invitae Variant Classification Sherloc (09022015). Collection method: clinical testing. Allele origin: germline.
Comment: This sequence change replaces lysine, which is basic and polar, with arginine, which is basic and polar, at codon 263 of the P4HB protein (p.Lys263Arg). This variant is not present in population databases (gnomAD no frequency). This variant has not been reported in the literature in individuals affected with P4HB-related conditions. Invitae Evidence Modeling of protein sequence and biophysical properties (such as structural, functional, and spatial information, amino acid conservation, physicochemical variation, residue mobility, and thermodynamic stability) indicates that this missense variant is not expected to disrupt P4HB protein function with a negative predictive value of 80%. Algorithms developed to predict the effect of sequence changes on RNA splicing suggest that this variant may disrupt the consensus splice site. In summary, the available evidence is currently insufficient to determine the role of this variant in disease. Therefore, it has been classified as a Variant of Uncertain Significance.

NM_000918.4(P4HB):c.788A>G (p.Lys263Arg)

Gene: P4HB (prolyl 4-hydroxylase subunit beta; minus strand). Cytogenetic location: 17q25.3.
Variant type: single nucleotide variant.
Coding change: c.788A>G on transcript NM_000918.4 (MANE Select); coding-DNA position 788, A replaced by G.
Protein change: p.Lys263Arg; replaces lysine 263 with arginine.
Molecular consequence: missense variant.
Genome position (GRCh38, 1-based): chr17:81,847,014, T>C on the plus strand (A>G on the coding strand, the complement: P4HB is on the minus strand). VCF-style: chr17-81847014-T-C. GRCh37 (hg19) VCF-style: chr17-79804890-T-C.
Other names: short protein forms K263R.
Identifiers: ClinVar variation 3694645 (VCV003694645.2).